The following is an entry in ClinVar:

ClinVar aggregate classification (germline): Uncertain significance. Review status: criteria provided, multiple submitters, no conflicts (2 of 4 stars). 2 submissions from 2 submitters: Uncertain significance (2). Last evaluated 2025-12-19.

Conditions:
Cardiovascular phenotype. Identifiers: MedGen CN230736.
Long QT syndrome (LQTS). Identifiers: MedGen C0023976, MeSH D008133, MONDO:0002442. Disease mechanism: loss of function. Inheritance: Various modes of inheritance.

Allele frequency attached by ClinVar (database versions not stated): gnomAD exomes below 0.00001; TOPMed below 0.00001; gnomAD 0.00001.
gnomAD v4.1: 4 of 1,614,234 alleles (0.00025%); highest among the groups gnomAD compares: East Asian, 0.0022%; no homozygotes.

Submissions (2):

Ambry Genetics
Classification: Uncertain significance for Cardiovascular phenotype. Last evaluated: 2025-12-19. Review status: criteria provided, single submitter. Criteria: Ambry Variant Classification Scheme 2023. Collection method: clinical testing. Allele origin: germline.
Comment: The p.V62M variant (also known as c.184G>A), located in coding exon 1 of the KCNJ5 gene, results from a G to A substitution at nucleotide position 184. The valine at codon 62 is replaced by methionine, an amino acid with highly similar properties. This amino acid position is highly conserved in available vertebrate species. In addition, this alteration is predicted to be deleterious by in silico analysis. Since supporting evidence is limited at this time, the clinical significance of this alteration remains unclear.

Labcorp Genetics (formerly Invitae), Labcorp
Classification: Uncertain significance for Long QT syndrome. Last evaluated: 2022-06-13. Review status: criteria provided, single submitter. Criteria: Invitae Variant Classification Sherloc (09022015). Collection method: clinical testing. Allele origin: germline.
Comment: This variant has not been reported in the literature in individuals affected with KCNJ5-related conditions. In summary, the available evidence is currently insufficient to determine the role of this variant in disease. Therefore, it has been classified as a Variant of Uncertain Significance. Advanced modeling of protein sequence and biophysical properties (such as structural, functional, and spatial information, amino acid conservation, physicochemical variation, residue mobility, and thermodynamic stability) performed at Invitae indicates that this missense variant is expected to disrupt KCNJ5 protein function. ClinVar contains an entry for this variant (Variation ID: 864385). This variant is present in population databases (no rsID available, gnomAD 0.006%). This sequence change replaces valine, which is neutral and non-polar, with methionine, which is neutral and non-polar, at codon 62 of the KCNJ5 protein (p.Val62Met).

NM_000890.5(KCNJ5):c.184G>A (p.Val62Met)

Gene: KCNJ5 (potassium inwardly rectifying channel subfamily J member 5; plus strand). Cytogenetic location: 11q24.3.
Variant type: single nucleotide variant.
Coding change: c.184G>A on transcript NM_000890.5 (MANE Select); coding-DNA position 184, G replaced by A.
Protein change: p.Val62Met; replaces valine 62 with methionine.
Molecular consequence: missense variant.
Genome position (GRCh38, 1-based): chr11:128,911,457, G>A. VCF-style: chr11-128911457-G-A. GRCh37 (hg19) VCF-style: chr11-128781352-G-A.
Other names: c.184G>A, p.Val62Met (NM_001354169.2); short protein forms V62M.
Identifiers: ClinVar variation 864385 (VCV000864385.12), dbSNP rs1389808024, ClinGen allele CA383246422.